The following is an entry in ClinVar:

NM_182961.4(SYNE1):c.21196-140A>G

Gene: SYNE1 (spectrin repeat containing nuclear envelope protein 1; minus strand). Cytogenetic location: 6q25.2.
Variant type: single nucleotide variant.
Coding change: c.21196-140A>G on transcript NM_182961.4 (MANE Select); 140 bases into the intron before coding-DNA position 21196, A replaced by G.
Molecular consequence: intron variant.
Genome position (GRCh38, 1-based): chr6:152,226,016, T>C on the plus strand (A>G on the coding strand, the complement: SYNE1 is on the minus strand). VCF-style: chr6-152226016-T-C. GRCh37 (hg19) VCF-style: chr6-152547151-T-C.
Other names: c.20983-140A>G (NM_033071.5).
Identifiers: ClinVar variation 670199 (VCV000670199.1), dbSNP rs1359323, ClinGen allele CA12308848.
Genomic context (GRCh38, chr6:152,226,016, plus strand): 5'-TTCATGTCCTAAAAACCTTTTACTAATCCAAAAAGCTTATCTCTTTCAGAAGAGGCACGC[T>C]GCAGAAGTACTTCTTCCTACACTCAAATGCAAAAAAAAAGTCATCTTTTTACACATGGCA-3'

ClinVar aggregate classification (germline): Benign (1 of 4 stars; one submission).

Allele frequency attached by ClinVar (database versions not stated): gnomAD exomes 0.45625; gnomAD 0.45805 and 0.46593; TOPMed 0.46355; 1000 Genomes Project 30x 0.54013; 1000 Genomes Project 0.54353.
gnomAD v4.1: 344,650 of 752,262 alleles (46%); highest among the groups gnomAD compares: East Asian, 72%; 83,399 homozygotes.

Submission:

GeneDx
Classification: Benign. Last evaluated: 2018-06-14. Review status: criteria provided, single submitter. Criteria: GeneDx Variant Classification (06012015). Collection method: clinical testing. Allele origin: germline. Affected: yes.
Comment: This variant is considered likely benign or benign based on one or more of the following criteria: it is a conservative change, it occurs at a poorly conserved position in the protein, it is predicted to be benign by multiple in silico algorithms, and/or has population frequency not consistent with disease.